The following is an entry in ClinVar:

ClinVar aggregate classification (germline): Likely benign. Review status: criteria provided, multiple submitters, no conflicts (2 of 4 stars). 2 submissions from 2 submitters: Likely benign (2). Last evaluated 2026-01-25.

Conditions:
Arthrogryposis, distal, type 1A. Also called: ARTHROGRYPOSIS MULTIPLEX CONGENITA, DISTAL, TYPE I. Identifiers: Orphanet 1146, MedGen C6022280, MONDO:0007157, OMIM 108120.

Allele frequency attached by ClinVar (database versions not stated): ExAC 0.00006; gnomAD 0.00006; TOPMed 0.00007; ESP Exome Variant Server 0.00008; gnomAD exomes 0.00013 and 0.00005.
gnomAD v4.1: 209 of 1,614,114 alleles (0.013%); highest among the groups gnomAD compares: Non-Finnish European, 0.016%; no homozygotes.

Submissions (2):

Labcorp Genetics (formerly Invitae), Labcorp
Classification: Likely benign for Arthrogryposis, distal, type 1A. Last evaluated: 2026-01-25. Review status: criteria provided, single submitter. Criteria: Invitae Variant Classification Sherloc (09022015). Collection method: clinical testing. Allele origin: germline.

GeneDx
Classification: Likely benign. Last evaluated: 2017-10-31. Review status: criteria provided, single submitter. Criteria: GeneDx Variant Classification (06012015). Collection method: clinical testing. Allele origin: germline. Affected: yes.
Comment: This variant is considered likely benign or benign based on one or more of the following criteria: it is a conservative change, it occurs at a poorly conserved position in the protein, it is predicted to be benign by multiple in silico algorithms, and/or has population frequency not consistent with disease.

NM_003289.4(TPM2):c.225G>A (p.Glu75=)

Gene: TPM2 (tropomyosin 2; minus strand). Cytogenetic location: 9p13.3.
Variant type: single nucleotide variant.
Coding change: c.225G>A on transcript NM_003289.4 (MANE Select); coding-DNA position 225, G replaced by A.
Protein change: p.Glu75=; no amino-acid change (glutamic acid 75 retained).
Molecular consequence: synonymous variant.
Genome position (GRCh38, 1-based): chr9:35,689,161, C>T on the plus strand (G>A on the coding strand, the complement: TPM2 is on the minus strand). VCF-style: chr9-35689161-C-T. GRCh37 (hg19) VCF-style: chr9-35689158-C-T.
Other names: c.225G>A, p.Glu75= (NM_001301226.2, NM_001301227.2, NM_213674.1).
Identifiers: ClinVar variation 512856 (VCV000512856.11), dbSNP rs375762242, ClinGen allele CA5047422.